The following is an entry in ClinVar:

NM_007118.4(TRIO):c.3246C>T (p.Asp1082=)

Gene: TRIO (trio Rho guanine nucleotide exchange factor; plus strand). Cytogenetic location: 5p15.2.
Variant type: single nucleotide variant.
Coding change: c.3246C>T on transcript NM_007118.4 (MANE Select); coding-DNA position 3246, C replaced by T.
Protein change: p.Asp1082=; no amino-acid change (aspartic acid 1082 retained).
Molecular consequence: synonymous variant. On other transcripts: non-coding transcript variant (1).
Genome position (GRCh38, 1-based): chr5:14,374,258, C>T. VCF-style: chr5-14374258-C-T. GRCh37 (hg19) VCF-style: chr5-14374367-C-T.
Identifiers: ClinVar variation 4822655 (VCV004822655.4).

ClinVar aggregate classification (germline): Likely benign (1 of 4 stars; one submission).

gnomAD v4.1: 4 of 1,613,424 alleles (0.00025%); highest among the groups gnomAD compares: South Asian, 0.0011%; no homozygotes.

Submission:

CeGaT Center for Human Genetics Tuebingen
Classification: Likely benign. Last evaluated: 2026-02-01. Review status: criteria provided, single submitter. Criteria: CeGaT Center For Human Genetics Tuebingen Variant Classification Criteria Version 2. Collection method: clinical testing. Allele origin: germline. Affected: yes. Observed: 1 variant allele.
Comment: TRIO: BP4, BP7